The following is an entry in ClinVar:

ClinVar aggregate classification (germline): Uncertain significance. Review status: criteria provided, multiple submitters, no conflicts (2 of 4 stars). 2 submissions from 2 submitters: Uncertain significance (2). Last evaluated 2025-01-28.

Conditions:
Intellectual developmental disorder, X-linked 72. Also called: Intellectual disability, X-linked 72. Identifiers: Orphanet 777, MedGen C1846038, MONDO:0010289, OMIM 300271.

Submissions (2):

GeneDx
Classification: Uncertain significance. Last evaluated: 2025-01-28. Review status: criteria provided, single submitter. Criteria: GeneDx Variant Classification Process June 2021. Collection method: clinical testing. Allele origin: germline. Affected: yes.
Comment: Has not been previously published as pathogenic or benign to our knowledge; Not observed at significant frequency in large population cohorts (gnomAD); In silico analysis supports that this missense variant has a deleterious effect on protein structure/function

Juno Genomics, Hangzhou Juno Genomics, Inc
Classification: Uncertain significance for Intellectual developmental disorder, X-linked 72. Review status: criteria provided, single submitter. Criteria: ACMG Guidelines, 2015. Collection method: clinical testing. Allele origin: germline. Affected: yes.
Comment: Absent from controls (or at extremely low frequency if recessive) in Genome Aggregation Database, Exome Sequencing Project, 1000 Genomes Project, or Exome Aggregation Consortium.;Multiple lines of computational evidence support a deleterious effect on the gene or gene product (conservation, evolutionary, splicing impact, etc).;Patient's phenotype or family history is highly specific for a disease with a single genetic etiology.

NM_171998.4(RAB39B):c.287C>T (p.Ser96Phe)

Gene: RAB39B (RAB39B, member RAS oncogene family; minus strand). Cytogenetic location: Xq28.
Variant type: single nucleotide variant.
Coding change: c.287C>T on transcript NM_171998.4 (MANE Select); coding-DNA position 287, C replaced by T.
Protein change: p.Ser96Phe; replaces serine 96 with phenylalanine.
Molecular consequence: missense variant.
Genome position (GRCh38, 1-based): chrX:155,261,158, G>A on the plus strand (C>T on the coding strand, the complement: RAB39B is on the minus strand). VCF-style: chrX-155261158-G-A. GRCh37 (hg19) VCF-style: chrX-154490443-G-A.
Other names: short protein forms S96F.
Identifiers: ClinVar variation 3382000 (VCV003382000.3).